The following is an entry in ClinVar:

NM_000089.4(COL1A2):c.2148_2156delinsACGTGG (p.Val717_Pro719delinsArgGly)

Gene: COL1A2 (collagen type I alpha 2 chain; plus strand). Cytogenetic location: 7q21.3.
Variant type: Indel.
Coding change: c.2148_2156delinsACGTGG on transcript NM_000089.4 (MANE Select); coding-DNA positions 2148 to 2156, GGTCGGTCC replaced by ACGTGG.
Protein change: p.Val717_Pro719delinsArgGly.
Molecular consequence: inframe indel.
Genome position (GRCh38, 1-based): chr7:94,420,405-94,420,413, GGTCGGTCC replaced by ACGTGG. VCF-style: chr7-94420405-GGTCGGTCC-ACGTGG. GRCh37 (hg19) VCF-style: chr7-94049717-GGTCGGTCC-ACGTGG.
Identifiers: ClinVar variation 657418 (VCV000657418.1), dbSNP rs1584326175, ClinGen allele CA915945369.

ClinVar aggregate classification (germline): Uncertain significance (1 of 4 stars; one submission).

Conditions:
Ehlers-Danlos syndrome, classic type (cEDS). Identifiers: Orphanet 287, MedGen C4225429, MONDO:0007522.
Osteogenesis imperfecta type I (OI1). Also called: Lobstein disease; Osteogenesis imperfecta type 1; OI, TYPE I; OSTEOGENESIS IMPERFECTA TARDA; OSTEOGENESIS IMPERFECTA WITH BLUE SCLERAE; Lobstein's Disease. Identifiers: Orphanet 216796, Orphanet 666, MedGen C0023931, MONDO:0008146, OMIM 166200. Disease mechanism: loss of function.

Submission:

Labcorp Genetics (formerly Invitae), Labcorp
Classification: Uncertain significance for Osteogenesis imperfecta type I; Ehlers-Danlos syndrome, type 1. Last evaluated: 2018-09-07. Review status: criteria provided, single submitter. Criteria: Invitae Variant Classification Sherloc (09022015). Collection method: clinical testing. Allele origin: germline.
Comment: This variant, c.2148_2156delinsACGTGG, results in the deletion of 3 amino acids of the COL1A2 protein combined with the insertion of 2 amino acids (p.Val717_Pro719delinsArgGly), but otherwise preserves the integrity of the reading frame. This variant is not present in population databases (ExAC no frequency). This variant has not been reported in the literature in individuals with COL1A2-related disease. Experimental studies and prediction algorithms are not available for this variant, and the functional significance of the affected amino acid(s) is currently unknown. In summary, the available evidence is currently insufficient to determine the role of this variant in disease. Therefore, it has been classified as a Variant of Uncertain Significance.